The following is an entry in ClinVar:

ClinVar aggregate classification (germline): Likely benign (1 of 4 stars; one submission).

Allele frequency attached by ClinVar (database versions not stated): 1000 Genomes Project 30x 0.00219; 1000 Genomes Project 0.00220; TOPMed 0.00439; gnomAD 0.00486; ExAC 0.00491; ESP Exome Variant Server 0.00630; gnomAD exomes 0.00644.
gnomAD v4.1: 10,164 of 1,614,084 alleles (0.63%); highest among the groups gnomAD compares: Non-Finnish European, 0.73%; 48 homozygotes.

Submission:

CeGaT Center for Human Genetics Tuebingen
Classification: Likely benign. Last evaluated: 2022-11-01. Review status: criteria provided, single submitter. Criteria: CeGaT Center For Human Genetics Tuebingen Variant Classification Criteria Version 2. Collection method: clinical testing. Allele origin: germline. Affected: yes. Observed: 1 variant allele.
Comment: FAM217A: BP4, BS2

NM_173563.3(FAM217A):c.1020T>G (p.Ser340Arg)

Gene: FAM217A (family with sequence similarity 217 member A; minus strand). Cytogenetic location: 6p25.2.
Variant type: single nucleotide variant.
Coding change: c.1020T>G on transcript NM_173563.3 (MANE Select); coding-DNA position 1020, T replaced by G.
Protein change: p.Ser340Arg; replaces serine 340 with arginine.
Molecular consequence: missense variant.
Genome position (GRCh38, 1-based): chr6:4,069,203, A>C on the plus strand (T>G on the coding strand, the complement: FAM217A is on the minus strand). VCF-style: chr6-4069203-A-C. GRCh37 (hg19) VCF-style: chr6-4069437-A-C.
Other names: short protein forms S340R.
Identifiers: ClinVar variation 2656192 (VCV002656192.24), dbSNP rs149145074, ClinGen allele CA3621405.